The following is an entry in ClinVar:

ClinVar aggregate classification (germline): Likely benign (1 of 4 stars; one submission).

Allele frequency attached by ClinVar (database versions not stated): gnomAD exomes 0.00399; 1000 Genomes Project 0.00200; 1000 Genomes Project 30x 0.00234; ExAC 0.00242; TOPMed 0.00256; gnomAD 0.00273.
gnomAD v4.1: 5,971 of 1,538,484 alleles (0.39%); highest among the groups gnomAD compares: Non-Finnish European, 0.46%; 19 homozygotes.

Submission:

CeGaT Center for Human Genetics Tuebingen
Classification: Likely benign. Last evaluated: 2023-06-01. Review status: criteria provided, single submitter. Criteria: CeGaT Center For Human Genetics Tuebingen Variant Classification Criteria Version 2. Collection method: clinical testing. Allele origin: germline. Affected: yes. Observed: 1 variant allele.
Comment: CRACR2A: BP4

NM_001144958.2(CRACR2A):c.1602+6G>A

Gene: CRACR2A (calcium release activated channel regulator 2A; minus strand). Cytogenetic location: 12p13.32.
Variant type: single nucleotide variant.
Coding change: c.1602+6G>A on transcript NM_001144958.2 (MANE Select); 6 bases into the intron after coding-DNA position 1602, G replaced by A.
Molecular consequence: intron variant.
Genome position (GRCh38, 1-based): chr12:3,638,118, C>T on the plus strand (G>A on the coding strand, the complement: CRACR2A is on the minus strand). VCF-style: chr12-3638118-C-T. GRCh37 (hg19) VCF-style: chr12-3747284-C-T.
Identifiers: ClinVar variation 2642578 (VCV002642578.24), dbSNP rs145536162, ClinGen allele CA6394382.